The following is an entry in ClinVar:

NM_024818.6(UBA5):c.220T>G (p.Phe74Val)

Genes: NPHP3-ACAD11 (NPHP3-ACAD11 readthrough (NMD candidate); minus strand), UBA5 (ubiquitin like modifier activating enzyme 5; plus strand). Cytogenetic location: 3q22.1.
Variant type: single nucleotide variant.
Coding change: c.220T>G on transcript NM_024818.6 (MANE Select); coding-DNA position 220, T replaced by G.
Protein change: p.Phe74Val; replaces phenylalanine 74 with valine.
Molecular consequence: missense variant. On other transcripts: intron variant (2).
Genome position (GRCh38, 1-based): chr3:132,665,996, T>G. VCF-style: chr3-132665996-T-G. GRCh37 (hg19) VCF-style: chr3-132384840-T-G.
Other names: c.52T>G, p.Phe18Val (NM_001320210.2, NM_198329.4); c.-39-2822T>G (NM_001321239.1); c.28-2822T>G (NM_001321238.2); short protein forms F18V, F74V.
Identifiers: ClinVar variation 1517406 (VCV001517406.8), dbSNP rs2107932100, ClinGen allele CA354572585.

ClinVar aggregate classification (germline): Uncertain significance (1 of 4 stars; one submission).

Submission:

Labcorp Genetics (formerly Invitae), Labcorp
Classification: Uncertain significance. Last evaluated: 2021-12-02. Review status: criteria provided, single submitter. Criteria: Invitae Variant Classification Sherloc (09022015). Collection method: clinical testing. Allele origin: germline.
Comment: This variant is not present in population databases (gnomAD no frequency). In summary, the available evidence is currently insufficient to determine the role of this variant in disease. Therefore, it has been classified as a Variant of Uncertain Significance. Algorithms developed to predict the effect of missense changes on protein structure and function are either unavailable or do not agree on the potential impact of this missense change (SIFT: "Not Available"; PolyPhen-2: "Benign"; Align-GVGD: "Not Available"). This variant has not been reported in the literature in individuals affected with UBA5-related conditions. This sequence change replaces phenylalanine, which is neutral and non-polar, with valine, which is neutral and non-polar, at codon 74 of the UBA5 protein (p.Phe74Val).